The following is an entry in ClinVar:

NM_030930.4(UNC93B1):c.800del (p.Ile267fs)

Gene: UNC93B1 (unc-93B1 regulator of TLR signaling; minus strand). Cytogenetic location: 11q13.2.
Variant type: Deletion.
Coding change: c.800del on transcript NM_030930.4 (MANE Select); coding-DNA position 800, one base deleted (T; older notation c.800delT).
Protein change: p.Ile267fs; shifts the reading frame from isoleucine 267.
Molecular consequence: frameshift variant.
Genome position (GRCh38, 1-based): chr11:67,997,781, A deleted on the plus strand (T on the coding strand, the reverse complement: UNC93B1 is on the minus strand). VCF-style (leftmost placement, unchanged base first): chr11-67997780-GA-G. GRCh37 (hg19) VCF-style: chr11-67765250-GA-G.
Other names: short protein forms I267fs.
Identifiers: ClinVar variation 3671733 (VCV003671733.2).
Genomic context (GRCh38, chr11:67,997,780, plus strand): 5'-CACAATGAGGTTTCCGCTCCGCGGGAGCGTCCGCAGAACCGTCTTGTTGAAGCCGCTGAG[GA>G]TCCCGTGGCTGTTGGTGCCTGGGAAGGGTGGGGGTGAGGGCACCGTGAGCAGAGAGTAGG-3'

ClinVar aggregate classification (germline): Pathogenic (1 of 4 stars; one submission).

Conditions:
Encephalopathy, acute, infection-induced (herpes-specific), susceptibility to, 1. Also called: Herpes simplex encephalitis, susceptibility to, 1. Identifiers: Orphanet 1930, MedGen C2750180, MONDO:0024563, OMIM 610551.

Submission:

Labcorp Genetics (formerly Invitae), Labcorp
Classification: Pathogenic for Encephalopathy, acute, infection-induced (herpes-specific), susceptibility to, 1. Last evaluated: 2025-08-07. Review status: criteria provided, single submitter. Criteria: Invitae Variant Classification Sherloc (09022015). Collection method: clinical testing. Allele origin: germline.
Comment: This sequence change creates a premature translational stop signal (p.Ile267Thrfs*182) in the UNC93B1 gene. It is expected to result in an absent or disrupted protein product. Loss-of-function variants in UNC93B1 are known to be pathogenic (PMID: 16973841). This variant is present in population databases (no rsID available, gnomAD 0.0009%). This variant has not been reported in the literature in individuals affected with UNC93B1-related conditions. ClinVar contains an entry for this variant (Variation ID: 3671733). For these reasons, this variant has been classified as Pathogenic.

Literature cited by the submitters: PubMed 16973841.